The following is an entry in ClinVar:

ClinVar aggregate classification (germline): Uncertain significance (1 of 4 stars; one submission).

Conditions:
Charcot-Marie-Tooth disease axonal type 2O. Also called: CHARCOT-MARIE-TOOTH NEUROPATHY, AXONAL, TYPE 2O; CHARCOT-MARIE-TOOTH DISEASE, AXONAL, AUTOSOMAL DOMINANT, TYPE 2O; Charcot-Marie-Tooth Neuropathy Type 2O; Charcot-Marie-Tooth disease, axonal, type 20. Identifiers: Orphanet 284232, MedGen C3280220, MONDO:0013644, OMIM 614228.

Submission:

Labcorp Genetics (formerly Invitae), Labcorp
Classification: Uncertain significance for Charcot-Marie-Tooth disease axonal type 2O. Last evaluated: 2022-12-06. Review status: criteria provided, single submitter. Criteria: Invitae Variant Classification Sherloc (09022015). Collection method: clinical testing. Allele origin: germline.
Comment: This sequence change falls in intron 74 of the DYNC1H1 gene. It does not directly change the encoded amino acid sequence of the DYNC1H1 protein. It affects a nucleotide within the consensus splice site. This variant is not present in population databases (gnomAD no frequency). This variant has not been reported in the literature in individuals affected with DYNC1H1-related conditions. Variants that disrupt the consensus splice site are a relatively common cause of aberrant splicing (PMID: 17576681, 9536098). Algorithms developed to predict the effect of sequence changes on RNA splicing suggest that this variant may create or strengthen a splice site. In summary, the available evidence is currently insufficient to determine the role of this variant in disease. Therefore, it has been classified as a Variant of Uncertain Significance.

Literature cited by the submitters: PubMed 17576681; PubMed 9536098.

NM_001376.5(DYNC1H1):c.13372+6T>G

Gene: DYNC1H1 (dynein cytoplasmic 1 heavy chain 1; plus strand). Cytogenetic location: 14q32.31.
Variant type: single nucleotide variant.
Coding change: c.13372+6T>G on transcript NM_001376.5 (MANE Select); 6 bases into the intron after coding-DNA position 13372, T replaced by G.
Molecular consequence: intron variant.
Genome position (GRCh38, 1-based): chr14:102,048,675, T>G. VCF-style: chr14-102048675-T-G. GRCh37 (hg19) VCF-style: chr14-102515012-T-G.
Identifiers: ClinVar variation 2818948 (VCV002818948.3), dbSNP rs2048760467, ClinGen allele CA2739279235.